The following is an entry in ClinVar:

NM_002691.4(POLD1):c.3206T>A (p.Val1069Asp)

Gene: POLD1 (DNA polymerase delta 1, catalytic subunit; plus strand). Cytogenetic location: 19q13.33.
Variant type: single nucleotide variant.
Coding change: c.3206T>A on transcript NM_002691.4 (MANE Select); coding-DNA position 3206, T replaced by A.
Protein change: p.Val1069Asp; replaces valine 1069 with aspartic acid.
Molecular consequence: missense variant. On other transcripts: non-coding transcript variant (1).
Genome position (GRCh38, 1-based): chr19:50,417,257, T>A. VCF-style: chr19-50417257-T-A. GRCh37 (hg19) VCF-style: chr19-50920514-T-A.
Other names: c.3206T>A, p.Val1069Asp (NM_001256849.1); c.3284T>A, p.Val1095Asp (NM_001308632.1); c.3206T>A (NM_002691.2); short protein forms V1095D, V1069D.
Identifiers: ClinVar variation 3021003 (VCV003021003.4), dbSNP rs2122509175, ClinGen allele CA406987537.
Genomic context (GRCh38, chr19:50,417,257, plus strand): 5'-AGCGCTTCTCGCGCCTCTGGACGCAGTGCCAGCGCTGCCAGGGCAGCCTGCACGAGGACG[T>A]CATCTGCACCAGGTGTGTGCCATGTCCCGACCCTGGGCTGCCCCGCCCCTTCCCAGCTCC-3'
Protein context (NP_002682.2, residues 1059-1079): QRCQGSLHED[Val1069Asp]ICTSRDCPIF

ClinVar aggregate classification (germline): Uncertain significance. Review status: criteria provided, multiple submitters, no conflicts (2 of 4 stars). 2 submissions from 2 submitters: Uncertain significance (2). Last evaluated 2024-02-16.

Conditions:
Hereditary cancer-predisposing syndrome. Also called: Tumor predisposition; Neoplastic Syndromes, Hereditary; Hereditary Cancer Syndrome; Hereditary neoplastic syndrome. Identifiers: Orphanet 140162, MedGen C0027672, MeSH D009386, MONDO:0015356.
POLD1-related polyposis and colorectal cancer syndrome (CRCS10). Also called: Colorectal cancer 10; COLORECTAL CANCER, SUSCEPTIBILITY TO, ON CHROMOSOME 19q; Colorectal cancer, susceptibility to, 10. Identifiers: Orphanet 220460, MedGen C2675481, MONDO:0012953, OMIM 612591.

Submissions (2):

Ambry Genetics
Classification: Uncertain significance for Hereditary cancer-predisposing syndrome. Last evaluated: 2024-02-16. Review status: criteria provided, single submitter. Criteria: Ambry Variant Classification Scheme 2023. Collection method: clinical testing. Allele origin: germline.
Comment: The p.V1069D variant (also known as c.3206T>A), located in coding exon 25 of the POLD1 gene, results from a T to A substitution at nucleotide position 3206. The valine at codon 1069 is replaced by aspartic acid, an amino acid with highly dissimilar properties. This amino acid position is conserved. In addition, this alteration is predicted to be deleterious by in silico analysis. Based on the available evidence, the clinical significance of this alteration remains unclear.

Labcorp Genetics (formerly Invitae), Labcorp
Classification: Uncertain significance for POLD1-related polyposis and colorectal cancer syndrome. Last evaluated: 2023-12-19. Review status: criteria provided, single submitter. Criteria: Invitae Variant Classification Sherloc (09022015). Collection method: clinical testing. Allele origin: germline.
Comment: This sequence change replaces valine, which is neutral and non-polar, with aspartic acid, which is acidic and polar, at codon 1069 of the POLD1 protein (p.Val1069Asp). This variant is not present in population databases (gnomAD no frequency). This variant has not been reported in the literature in individuals affected with POLD1-related conditions. Advanced modeling of protein sequence and biophysical properties (such as structural, functional, and spatial information, amino acid conservation, physicochemical variation, residue mobility, and thermodynamic stability) has been performed at Invitae for this missense variant, however the output from this modeling did not meet the statistical confidence thresholds required to predict the impact of this variant on POLD1 protein function. In summary, the available evidence is currently insufficient to determine the role of this variant in disease. Therefore, it has been classified as a Variant of Uncertain Significance.